The following is an entry in ClinVar:

NM_004168.4(SDHA):c.473T>A (p.Met158Lys)

Gene: SDHA (succinate dehydrogenase complex flavoprotein subunit A; plus strand). Cytogenetic location: 5p15.33.
Variant type: single nucleotide variant.
Coding change: c.473T>A on transcript NM_004168.4 (MANE Select); coding-DNA position 473, T replaced by A.
Protein change: p.Met158Lys; replaces methionine 158 with lysine.
Molecular consequence: missense variant.
Genome position (GRCh38, 1-based): chr5:225,899, T>A. VCF-style: chr5-225899-T-A. GRCh37 (hg19) VCF-style: chr5-226014-T-A.
Other names: c.329T>A, p.Met110Lys (NM_001294332.2); c.473T>A, p.Met158Lys (NM_001330758.2); short protein forms M110K, M158K.
Identifiers: ClinVar variation 3223748 (VCV003223748.1), dbSNP rs2477298962, ClinGen allele CA359009873.

ClinVar aggregate classification (germline): Uncertain significance (1 of 4 stars; one submission).

Conditions:
Hereditary cancer-predisposing syndrome. Also called: Tumor predisposition; Hereditary neoplastic syndrome; Hereditary Cancer Syndrome; Neoplastic Syndromes, Hereditary. Identifiers: Orphanet 140162, MedGen C0027672, MeSH D009386, MONDO:0015356.

Submission:

Ambry Genetics
Classification: Uncertain significance for Hereditary cancer-predisposing syndrome. Last evaluated: 2023-11-27. Review status: criteria provided, single submitter. Criteria: Ambry Variant Classification Scheme 2023. Collection method: clinical testing. Allele origin: germline.
Comment: The p.M158K variant (also known as c.473T>A), located in coding exon 5 of the SDHA gene, results from a T to A substitution at nucleotide position 473. The methionine at codon 158 is replaced by lysine, an amino acid with similar properties. This amino acid position is conserved. In addition, this alteration is predicted to be deleterious by in silico analysis. Since supporting evidence is limited at this time, the clinical significance of this alteration remains unclear.